The following is an entry in ClinVar:

NM_017662.5(TRPM6):c.1852A>T (p.Met618Leu)

Gene: TRPM6 (transient receptor potential cation channel subfamily M member 6; minus strand). Cytogenetic location: 9q21.13.
Variant type: single nucleotide variant.
Coding change: c.1852A>T on transcript NM_017662.5 (MANE Select); coding-DNA position 1852, A replaced by T.
Protein change: p.Met618Leu; replaces methionine 618 with leucine.
Molecular consequence: missense variant.
Genome position (GRCh38, 1-based): chr9:74,802,055, T>A on the plus strand (A>T on the coding strand, the complement: TRPM6 is on the minus strand). VCF-style: chr9-74802055-T-A. GRCh37 (hg19) VCF-style: chr9-77416971-T-A.
Other names: c.1837A>T, p.Met613Leu (NM_001177310.2, NM_001177311.2); short protein forms M613L, M618L.
Identifiers: ClinVar variation 4981618 (VCV004981618.1).

ClinVar aggregate classification (germline): Uncertain significance (1 of 4 stars; one submission).

Conditions:
TRPM6-related disorder. Also called: TRPM6-related condition.

gnomAD v4.1: 3 of 1,614,028 alleles (0.00019%); highest among the groups gnomAD compares: African/African-American, 0.0027%; no homozygotes.

Submission:

PreventionGenetics, part of Exact Sciences
Classification: Uncertain significance for TRPM6-related condition. Last evaluated: 2025-06-09. Review status: criteria provided, single submitter. Criteria: ACMG Guidelines, 2015. Collection method: clinical testing. Allele origin: germline.
Comment: The TRPM6 c.1852A>T variant is predicted to result in the amino acid substitution p.Met618Leu. To our knowledge, this variant has not been reported in the literature or in a large population database (gnomAD), indicating this variant is rare. At this time, the clinical significance of this variant is uncertain due to the absence of conclusive functional and genetic evidence.